The following is an entry in ClinVar:

NM_002691.4(POLD1):c.3202G>T (p.Asp1068Tyr)

Gene: POLD1 (DNA polymerase delta 1, catalytic subunit; plus strand). Cytogenetic location: 19q13.33.
Variant type: single nucleotide variant.
Coding change: c.3202G>T on transcript NM_002691.4 (MANE Select); coding-DNA position 3202, G replaced by T.
Protein change: p.Asp1068Tyr; replaces aspartic acid 1068 with tyrosine.
Molecular consequence: missense variant. On other transcripts: non-coding transcript variant (1).
Genome position (GRCh38, 1-based): chr19:50,417,253, G>T. VCF-style: chr19-50417253-G-T. GRCh37 (hg19) VCF-style: chr19-50920510-G-T.
Other names: c.3202G>T, p.Asp1068Tyr (NM_001256849.1); c.3280G>T, p.Asp1094Tyr (NM_001308632.1); short protein forms D1068Y, D1094Y.
Identifiers: ClinVar variation 2070418 (VCV002070418.4), dbSNP rs2122509018, ClinGen allele CA406987523.

ClinVar aggregate classification (germline): Uncertain significance (1 of 4 stars; one submission).

Conditions:
POLD1-related polyposis and colorectal cancer syndrome (CRCS10). Also called: Colorectal cancer 10; COLORECTAL CANCER, SUSCEPTIBILITY TO, ON CHROMOSOME 19q; Colorectal cancer, susceptibility to, 10. Identifiers: Orphanet 220460, MedGen C2675481, MONDO:0012953, OMIM 612591.

Submission:

Labcorp Genetics (formerly Invitae), Labcorp
Classification: Uncertain significance for POLD1-related polyposis and colorectal cancer syndrome. Last evaluated: 2025-10-01. Review status: criteria provided, single submitter. Criteria: Invitae Variant Classification Sherloc (09022015). Collection method: clinical testing. Allele origin: germline.
Comment: This sequence change replaces aspartic acid, which is acidic and polar, with tyrosine, which is neutral and polar, at codon 1068 of the POLD1 protein (p.Asp1068Tyr). This variant is not present in population databases (gnomAD no frequency). This variant has not been reported in the literature in individuals affected with POLD1-related conditions. ClinVar contains an entry for this variant (Variation ID: 2070418). Invitae Evidence Modeling of protein sequence and biophysical properties (such as structural, functional, and spatial information, amino acid conservation, physicochemical variation, residue mobility, and thermodynamic stability) has been performed for this missense variant. However, the output from this modeling did not meet the statistical confidence thresholds required to predict the impact of this variant on POLD1 protein function. RNA analysis performed to evaluate the impact of this missense change on mRNA splicing indicates it does not significantly alter splicing (internal data). In summary, the available evidence is currently insufficient to determine the role of this variant in disease. Therefore, it has been classified as a Variant of Uncertain Significance.